The following is an entry in ClinVar:

ClinVar aggregate classification (germline): Uncertain significance (1 of 4 stars; one submission).

Allele frequency attached by ClinVar (database versions not stated): ExAC 0.00001; gnomAD 0.00001; gnomAD exomes 0.00001; TOPMed 0.00001.
gnomAD v4.1: 14 of 1,613,102 alleles (0.00087%); highest among the groups gnomAD compares: South Asian, 0.014%; no homozygotes.

Submission:

Labcorp Genetics (formerly Invitae), Labcorp
Classification: Uncertain significance. Last evaluated: 2021-12-13. Review status: criteria provided, single submitter. Criteria: Invitae Variant Classification Sherloc (09022015). Collection method: clinical testing. Allele origin: germline.
Comment: Algorithms developed to predict the effect of missense changes on protein structure and function are either unavailable or do not agree on the potential impact of this missense change (SIFT: "Deleterious"; PolyPhen-2: "Probably Damaging"; Align-GVGD: "Class C15"). In summary, the available evidence is currently insufficient to determine the role of this variant in disease. Therefore, it has been classified as a Variant of Uncertain Significance. This variant has not been reported in the literature in individuals affected with C3-related conditions. This sequence change replaces valine, which is neutral and non-polar, with methionine, which is neutral and non-polar, at codon 932 of the C3 protein (p.Val932Met). This variant is present in population databases (rs754898374, gnomAD 0.02%).

NM_000064.4(C3):c.2794G>A (p.Val932Met)

Gene: C3 (complement C3; minus strand). Cytogenetic location: 19p13.3.
Variant type: single nucleotide variant.
Coding change: c.2794G>A on transcript NM_000064.4 (MANE Select); coding-DNA position 2794, G replaced by A.
Protein change: p.Val932Met; replaces valine 932 with methionine.
Molecular consequence: missense variant.
Genome position (GRCh38, 1-based): chr19:6,697,346, C>T on the plus strand (G>A on the coding strand, the complement: C3 is on the minus strand). VCF-style: chr19-6697346-C-T. GRCh37 (hg19) VCF-style: chr19-6697357-C-T.
Other names: short protein forms V932M.
Identifiers: ClinVar variation 1895650 (VCV001895650.5), dbSNP rs754898374, ClinGen allele CA9128974.